The following is an entry in ClinVar:

ClinVar aggregate classification (germline): Uncertain significance. Review status: criteria provided, multiple submitters, no conflicts (2 of 4 stars). 3 submissions from 3 submitters: Uncertain significance (2). 1 of the submissions does not count toward it. Last evaluated 2025-10-15.

Conditions:
Inborn genetic diseases. Identifiers: MedGen C0950123, MeSH D030342.
Schimke immuno-osseous dysplasia (SIOD). Also called: Schimke Immunoosseous Dysplasia. Identifiers: Orphanet 1830, MedGen C0877024, MONDO:0009458, OMIM 242900.

Allele frequency attached by ClinVar (database versions not stated): gnomAD exomes below 0.00001 and 0.00002; gnomAD 0.00001; ExAC 0.00002; TOPMed 0.00002.
gnomAD v4.1: 7 of 1,613,698 alleles (0.00043%); highest among the groups gnomAD compares: Admixed American, 0.012%; no homozygotes.

Submissions (3):

Ambry Genetics
Classification: Uncertain significance for Inborn genetic diseases. Last evaluated: 2025-10-15. Review status: criteria provided, single submitter. Criteria: Ambry Variant Classification Scheme 2023. Collection method: clinical testing. Allele origin: germline.

Labcorp Genetics (formerly Invitae), Labcorp
Classification: Uncertain significance for Schimke immuno-osseous dysplasia. Last evaluated: 2022-08-06. Review status: criteria provided, single submitter. Criteria: Invitae Variant Classification Sherloc (09022015). Collection method: clinical testing. Allele origin: germline.
Comment: This sequence change replaces threonine, which is neutral and polar, with isoleucine, which is neutral and non-polar, at codon 867 of the SMARCAL1 protein (p.Thr867Ile). This variant is present in population databases (rs752153044, gnomAD 0.01%). This variant has not been reported in the literature in individuals affected with SMARCAL1-related conditions. ClinVar contains an entry for this variant (Variation ID: 643275). Algorithms developed to predict the effect of missense changes on protein structure and function are either unavailable or do not agree on the potential impact of this missense change (SIFT: "Deleterious"; PolyPhen-2: "Possibly Damaging"; Align-GVGD: "Class C0"). In summary, the available evidence is currently insufficient to determine the role of this variant in disease. Therefore, it has been classified as a Variant of Uncertain Significance.

Natera, Inc.
Classification: Uncertain significance for Schimke immuno-osseous dysplasia. Last evaluated: 2020-11-03. Review status: no assertion criteria provided. Collection method: clinical testing. Allele origin: germline. Not counted in ClinVar's aggregate classification.

NM_014140.4(SMARCAL1):c.2600C>T (p.Thr867Ile)

Gene: SMARCAL1 (SNF2 related chromatin remodeling annealing helicase 1; plus strand). Cytogenetic location: 2q35.
Variant type: single nucleotide variant.
Coding change: c.2600C>T on transcript NM_014140.4 (MANE Select); coding-DNA position 2600, C replaced by T.
Protein change: p.Thr867Ile; replaces threonine 867 with isoleucine.
Molecular consequence: missense variant.
Genome position (GRCh38, 1-based): chr2:216,478,274, C>T. VCF-style: chr2-216478274-C-T. GRCh37 (hg19) VCF-style: chr2-217342997-C-T.
Other names: c.2600C>T, p.Thr867Ile (NM_001127207.2); short protein forms T867I.
Identifiers: ClinVar variation 643275 (VCV000643275.12), dbSNP rs752153044, ClinGen allele CA2098255.